The following is an entry in ClinVar:

NM_001365951.3(KIF1B):c.3895A>G (p.Ile1299Val)

Gene: KIF1B (kinesin family member 1B; plus strand). Cytogenetic location: 1p36.22.
Variant type: single nucleotide variant.
Coding change: c.3895A>G on transcript NM_001365951.3 (MANE Select); coding-DNA position 3895, A replaced by G.
Protein change: p.Ile1299Val; replaces isoleucine 1299 with valine.
Molecular consequence: missense variant.
Genome position (GRCh38, 1-based): chr1:10,348,679, A>G. VCF-style: chr1-10348679-A-G. GRCh37 (hg19) VCF-style: chr1-10408737-A-G.
Other names: c.3895A>G, p.Ile1299Val (NM_001365952.1); c.3757A>G, p.Ile1253Val (NM_015074.3); short protein forms I1253V, I1299V.
Identifiers: ClinVar variation 2625694 (VCV002625694.2), dbSNP rs2521798815, ClinGen allele CA338343598.
Genomic context (GRCh38, chr1:10,348,679, plus strand): 5'-GCTAAATTGCAACCCTGCTTCATTACCTAGGGCATCCAGCGAAGGATCACAGTGACCATT[A>G]TCCATGAGAAGGGGAGCGAGCTCCATTGGAAAGATGTTCGTGAACTGGTGGTAGGTGAGT-3'
Protein context (NP_001352880.1, residues 1289-1309): GIQRRITVTI[Ile1299Val]HEKGSELHWK

ClinVar aggregate classification (germline): Uncertain significance (1 of 4 stars; one submission).

Submission:

Ambry Genetics
Classification: Uncertain significance. Last evaluated: 2023-06-28. Review status: criteria provided, single submitter. Criteria: Ambry Variant Classification Scheme 2023. Collection method: clinical testing. Allele origin: germline.
Comment: The p.I1253V variant (also known as c.3757A>G), located in coding exon 34 of the KIF1B gene, results from an A to G substitution at nucleotide position 3757. The isoleucine at codon 1253 is replaced by valine, an amino acid with highly similar properties. This amino acid position is conserved. In addition, this alteration is predicted to be tolerated by in silico analysis. Since supporting evidence is limited at this time, the clinical significance of this alteration remains unclear.